The following is an entry in ClinVar:

ClinVar aggregate classification (germline): Uncertain significance. Review status: criteria provided, multiple submitters, no conflicts (2 of 4 stars). 2 submissions from 2 submitters: Uncertain significance (2). Last evaluated 2022-03-21.

Conditions:
Hereditary motor and sensory neuropathy, Okinawa type (HMSNO). Also called: HEREDITARY MOTOR AND SENSORY NEUROPATHY, PROXIMAL TYPE. Identifiers: Orphanet 90117, MedGen C1858338, MONDO:0011468, OMIM 604484.
Hereditary spastic paraplegia 57. Also called: Spastic paraplegia 57, autosomal recessive. Identifiers: Orphanet 431329, MedGen C3714897, MONDO:0014295, OMIM 615658.
Inborn genetic diseases. Identifiers: MedGen C0950123, MeSH D030342.

Allele frequency attached by ClinVar (database versions not stated): TOPMed below 0.00001; gnomAD 0.00001.
gnomAD v4.1: 2 of 1,613,894 alleles (0.00012%); highest among the groups gnomAD compares: Non-Finnish European, 0.00017%; no homozygotes.

Submissions (2):

Labcorp Genetics (formerly Invitae), Labcorp
Classification: Uncertain significance for Hereditary motor and sensory neuropathy, Okinawa type; Hereditary spastic paraplegia 57. Last evaluated: 2022-03-21. Review status: criteria provided, single submitter. Criteria: Invitae Variant Classification Sherloc (09022015). Collection method: clinical testing. Allele origin: germline.
Comment: In summary, the available evidence is currently insufficient to determine the role of this variant in disease. Therefore, it has been classified as a Variant of Uncertain Significance. Algorithms developed to predict the effect of missense changes on protein structure and function are either unavailable or do not agree on the potential impact of this missense change (SIFT: "Deleterious"; PolyPhen-2: "Probably Damaging"; Align-GVGD: "Class C15"). This variant has not been reported in the literature in individuals affected with TFG-related conditions. This variant is present in population databases (no rsID available, gnomAD 0.007%). This sequence change replaces serine, which is neutral and polar, with phenylalanine, which is neutral and non-polar, at codon 214 of the TFG protein (p.Ser214Phe).

Ambry Genetics
Classification: Uncertain significance for Inborn genetic diseases. Last evaluated: 2021-02-02. Review status: criteria provided, single submitter. Criteria: Ambry Variant Classification Scheme 2023. Collection method: clinical testing. Allele origin: germline.
Comment: The p.S214F variant (also known as c.641C>T), located in coding exon 5 of the TFG gene, results from a C to T substitution at nucleotide position 641. The serine at codon 214 is replaced by phenylalanine, an amino acid with highly dissimilar properties. This amino acid position is highly conserved in available vertebrate species. In addition, the in silico prediction for this alteration is inconclusive. Since supporting evidence is limited at this time, the clinical significance of this alteration remains unclear.

NM_006070.6(TFG):c.641C>T (p.Ser214Phe)

Gene: TFG (trafficking from ER to golgi regulator; plus strand). Cytogenetic location: 3q12.2.
Variant type: single nucleotide variant.
Coding change: c.641C>T on transcript NM_006070.6 (MANE Select); coding-DNA position 641, C replaced by T.
Protein change: p.Ser214Phe; replaces serine 214 with phenylalanine.
Molecular consequence: missense variant.
Genome position (GRCh38, 1-based): chr3:100,736,636, C>T. VCF-style: chr3-100736636-C-T. GRCh37 (hg19) VCF-style: chr3-100455480-C-T.
Other names: c.641C>T, p.Ser214Phe (NM_001007565.2, NM_001195478.2, NM_001195479.2); short protein forms S214F.
Identifiers: ClinVar variation 1753423 (VCV001753423.7), dbSNP rs1043185982, ClinGen allele CA79704642.